The following is an entry in ClinVar:

ClinVar aggregate classification (germline): Uncertain significance (1 of 4 stars; one submission).

Allele frequency attached by ClinVar (database versions not stated): TOPMed below 0.00001; gnomAD 0.00001; gnomAD exomes 0.00001.
gnomAD v4.1: 17 of 1,612,340 alleles (0.0011%); highest among the groups gnomAD compares: South Asian, 0.0011%; no homozygotes.

Submission:

Labcorp Genetics (formerly Invitae), Labcorp
Classification: Uncertain significance. Last evaluated: 2023-05-18. Review status: criteria provided, single submitter. Criteria: Invitae Variant Classification Sherloc (09022015). Collection method: clinical testing. Allele origin: germline.
Comment: In summary, the available evidence is currently insufficient to determine the role of this variant in disease. Therefore, it has been classified as a Variant of Uncertain Significance. Experimental studies and prediction algorithms are not available or were not evaluated, and the functional significance of this variant is currently unknown. This variant has not been reported in the literature in individuals affected with POLD2-related conditions. This variant is present in population databases (no rsID available, gnomAD 0.005%). This sequence change replaces glutamic acid, which is acidic and polar, with lysine, which is basic and polar, at codon 333 of the POLD2 protein (p.Glu333Lys).

NM_006230.4(POLD2):c.892G>A (p.Glu298Lys)

Gene: POLD2 (DNA polymerase delta 2, accessory subunit; minus strand). Cytogenetic location: 7p13.
Variant type: single nucleotide variant.
Coding change: c.892G>A on transcript NM_006230.4 (MANE Select); coding-DNA position 892, G replaced by A.
Protein change: p.Glu298Lys; replaces glutamic acid 298 with lysine.
Molecular consequence: missense variant.
Genome position (GRCh38, 1-based): chr7:44,116,242, C>T on the plus strand (G>A on the coding strand, the complement: POLD2 is on the minus strand). VCF-style: chr7-44116242-C-T. GRCh37 (hg19) VCF-style: chr7-44155841-C-T.
Other names: c.892G>A, p.Glu298Lys (NM_001127218.3, NM_001256879.2); short protein forms E298K.
Identifiers: ClinVar variation 3014348 (VCV003014348.3), dbSNP rs1420862721, ClinGen allele CA367381061.
Genomic context (GRCh38, chr7:44,116,242, plus strand): 5'-GCGGGAACATGCAGGGGTGGAGGGGCTGCTGGGGGAGCGTGTAATTGGTGGGATCAAACT[C>T]GCCTGGCATCACGTCCACGGGCACTGAGGCCTGGAAGGCACAGGGCAGGGAGAGCTCACA-3'
Protein context (NP_006221.3, residues 288-308): ASVPVDVMPG[Glu298Lys]FDPTNYTLPQ